The following is an entry in ClinVar:

ClinVar aggregate classification (germline): Uncertain significance (1 of 4 stars; one submission).

gnomAD v4.1: 3 of 765,008 alleles (0.00039%); highest among the groups gnomAD compares: Admixed American, 0.0017%; no homozygotes.

Submission:

Labcorp Genetics (formerly Invitae), Labcorp
Classification: Uncertain significance. Last evaluated: 2022-07-19. Review status: criteria provided, single submitter. Criteria: Invitae Variant Classification Sherloc (09022015). Collection method: clinical testing. Allele origin: germline.
Comment: This variant disrupts the n.103G nucleotide in the SNORD118 gene. Other variant(s) that disrupt this nucleotide have been determined to be pathogenic (PMID: 27571260). This suggests that this nucleotide is clinically significant, and that variants that disrupt this position are likely to be disease-causing. In summary, the available evidence is currently insufficient to determine the role of this variant in disease. Therefore, it has been classified as a Variant of Uncertain Significance. Experimental studies and prediction algorithms are not available or were not evaluated, and the functional significance of this variant is currently unknown. This variant has not been reported in the literature in individuals affected with SNORD118-related conditions. This variant is present in population databases (no rsID available, gnomAD 0.003%). This variant occurs in the SNORD118 gene, which encodes an RNA molecule that does not result in a protein product.

Literature cited by the submitters: PubMed 27571260.

NR_033294.2(SNORD118):n.103G>C

Genes: SNORD118 (small nucleolar RNA, C/D box 118; minus strand), TMEM107 (transmembrane protein 107; minus strand). Cytogenetic location: 17p13.1.
Variant type: single nucleotide variant.
Molecular consequence: non-coding transcript variant (on NR_033294.2). On other transcripts: 3 prime UTR variant (5).
Genome position: GRCh38 VCF-style: chr17-8173486-C-G. GRCh37 (hg19) VCF-style: chr17-8076804-C-G.
Other names: c.*717G>C (NM_001351278.2, NM_001351279.2, NM_001351280.2 and 2 more transcripts).
Identifiers: ClinVar variation 1908936 (VCV001908936.4), dbSNP rs562912181, ClinGen allele CA497957010.